The following is an entry in ClinVar:

NM_004853.3(STX8):c.434A>C (p.Gln145Pro)

Gene: STX8 (syntaxin 8; minus strand). Cytogenetic location: 17p13.1.
Variant type: single nucleotide variant.
Coding change: c.434A>C on transcript NM_004853.3 (MANE Select); coding-DNA position 434, A replaced by C.
Protein change: p.Gln145Pro; replaces glutamine 145 with proline.
Molecular consequence: missense variant. On other transcripts: non-coding transcript variant (1).
Genome position (GRCh38, 1-based): chr17:9,505,052, T>G on the plus strand (A>C on the coding strand, the complement: STX8 is on the minus strand). VCF-style: chr17-9505052-T-G. GRCh37 (hg19) VCF-style: chr17-9408369-T-G.
Other names: short protein forms Q145P.
Identifiers: ClinVar variation 161626 (VCV000161626.2), dbSNP rs193920742, ClinGen allele CA174485.
Genomic context (GRCh38, chr17:9,505,052, plus strand): 5'-ATTCTGGCAAGGTTTCTGAGCCCACACTCCTCAGGATATTTAGTACCTTGGATAATTTTC[T>G]GCTGCTGTTGCCGGATTTCATCAAAACCCAAGCCTCTGGTCTCCTCTGGCTCCTCAAAGA-3'
Protein context (NP_004844.1, residues 135-155): LGFDEIRQQQ[Gln145Pro]KIIQEQDAGL

ClinVar aggregate classification (germline): Uncertain significance (0 of 4 stars; one submission).

Conditions:
Prostate cancer. Also called: Malignant tumor of prostate. Identifiers: Orphanet 1331, MedGen C0376358, MONDO:0008315, HP:0012125.

Submission:

Science for Life laboratory,  Karolinska Institutet
Classification: Uncertain significance for Malignant tumor of prostate. Review status: no assertion criteria provided. Collection method: not provided. Allele origin: somatic.
Comment: TumorID:SWE-1
ClinVar note: Converted during submission from Unknown to Uncertain significance.